The following is an entry in ClinVar:

ClinVar aggregate classification (germline): Benign. Review status: criteria provided, multiple submitters, no conflicts (2 of 4 stars). 2 submissions from 2 submitters: Benign (2). Last evaluated 2018-06-19.

Allele frequency attached by ClinVar (database versions not stated): 1000 Genomes Project 0.02736; 1000 Genomes Project 30x 0.02795; TOPMed 0.05316; gnomAD 0.06011 and 0.06191; gnomAD exomes 0.06683.
gnomAD v4.1: 42,438 of 652,482 alleles (6.5%); highest among the groups gnomAD compares: Non-Finnish European, 9.1%; 1,835 homozygotes.

Submissions (2):

GeneDx
Classification: Benign. Last evaluated: 2018-06-19. Review status: criteria provided, single submitter. Criteria: GeneDx Variant Classification (06012015). Collection method: clinical testing. Allele origin: germline. Affected: yes.
Comment: This variant is considered likely benign or benign based on one or more of the following criteria: it is a conservative change, it occurs at a poorly conserved position in the protein, it is predicted to be benign by multiple in silico algorithms, and/or has population frequency not consistent with disease.

Breakthrough Genomics
Classification: Benign. Review status: criteria provided, single submitter. Criteria: ACMG Guidelines, 2015. Collection method: not provided. Allele origin: germline. Inheritance: Autosomal recessive inheritance. Affected: yes.

NM_000289.6(PFKM):c.237+188G>A

Gene: PFKM (phosphofructokinase, muscle; plus strand). Cytogenetic location: 12q13.11.
Variant type: single nucleotide variant.
Coding change: c.237+188G>A on transcript NM_000289.6 (MANE Select); 188 bases into the intron after coding-DNA position 237, G replaced by A.
Molecular consequence: intron variant.
Genome position (GRCh38, 1-based): chr12:48,131,581, G>A. VCF-style: chr12-48131581-G-A. GRCh37 (hg19) VCF-style: chr12-48525364-G-A.
Other names: c.261+188G>A (NM_001354741.2); c.237+188G>A (NM_001354742.2, NM_001354743.2, NM_001354744.2 and 4 more transcripts); c.87+188G>A (NM_001354747.2, NM_001354748.2); c.450+188G>A (NM_001166686.2, NM_001354737.1, NM_001354739.1 and 1 more transcripts); c.546+188G>A (NM_001354736.1, NM_001354735.1); c.381+188G>A (NM_001354740.1); c.150+188G>A (NM_001354745.2).
Identifiers: ClinVar variation 667826 (VCV000667826.2), dbSNP rs80206782, ClinGen allele CA236509154.